The following is an entry in ClinVar:

NM_001005273.3(CHD3):c.2597C>T (p.Thr866Ile)

Gene: CHD3 (chromodomain helicase DNA binding protein 3; plus strand). Cytogenetic location: 17p13.1.
Variant type: single nucleotide variant.
Coding change: c.2597C>T on transcript NM_001005273.3 (MANE Select); coding-DNA position 2597, C replaced by T.
Protein change: p.Thr866Ile; replaces threonine 866 with isoleucine.
Molecular consequence: missense variant.
Genome position (GRCh38, 1-based): chr17:7,899,948, C>T. VCF-style: chr17-7899948-C-T. GRCh37 (hg19) VCF-style: chr17-7803266-C-T.
Other names: c.2774C>T, p.Thr925Ile (NM_001005271.3); c.2597C>T, p.Thr866Ile (NM_005852.4); short protein forms T925I, T866I.
Identifiers: ClinVar variation 3144110 (VCV003144110.1), dbSNP rs1254844078, ClinGen allele CA397939741.

ClinVar aggregate classification (germline): Uncertain significance (1 of 4 stars; one submission).

Conditions:
Inborn genetic diseases. Identifiers: MedGen C0950123, MeSH D030342.

Allele frequency attached by ClinVar (database versions not stated): gnomAD 0.00001.

Submission:

Ambry Genetics
Classification: Uncertain significance for Inborn genetic diseases. Last evaluated: 2023-12-22. Review status: criteria provided, single submitter. Criteria: Ambry Variant Classification Scheme 2023. Collection method: clinical testing. Allele origin: germline.
Comment: The c.2774C>T (p.T925I) alteration is located in exon 16 (coding exon 16) of the CHD3 gene. This alteration results from a C to T substitution at nucleotide position 2774, causing the threonine (T) at amino acid position 925 to be replaced by an isoleucine (I). This variant was not reported in population-based cohorts in the Genome Aggregation Database (gnomAD). This amino acid position is highly conserved in available vertebrate species. This missense alteration is located in a region that has a low rate of benign missense variation (Lek, 2016; Firth, 2009). This alteration is predicted to be deleterious by in silico analysis. Based on insufficient or conflicting evidence, the clinical significance of this alteration remains unclear.